The following is an entry in ClinVar:

ClinVar aggregate classification (germline): Uncertain significance. Review status: criteria provided, multiple submitters, no conflicts (2 of 4 stars). 2 submissions from 2 submitters: Uncertain significance (2). Last evaluated 2024-08-31.

Conditions:
Mitochondrial DNA depletion syndrome, encephalomyopathic form with methylmalonic aciduria (MTDPS5). Also called: MITOCHONDRIAL DNA DEPLETION SYNDROME, ENCEPHALOMYOPATHIC FORM, WITH OR WITHOUT METHYLMALONIC ACIDURIA, AUTOSOMAL RECESSIVE, SUCLA2-RELATED; SUCLA2-Related Mitochondrial DNA Depletion Syndrome, Encephalomyopathic Form with Methylmalonic Aciduria; Mitochondrial DNA depletion syndrome 5 (encephalomyopathic with or without methylmalonic aciduria); Mitochondrial encephalomyopathy aminoacidopathy. Identifiers: Orphanet 1933, MedGen C5980207, MONDO:0012791, OMIM 612073.

gnomAD v4.1: 90 of 1,612,066 alleles (0.0056%); highest among the groups gnomAD compares: Admixed American, 0.013%; no homozygotes.

Submissions (2):

Labcorp Genetics (formerly Invitae), Labcorp
Classification: Uncertain significance for Mitochondrial DNA depletion syndrome, encephalomyopathic form with methylmalonic aciduria. Last evaluated: 2024-08-31. Review status: criteria provided, single submitter. Criteria: Invitae Variant Classification Sherloc (09022015). Collection method: clinical testing. Allele origin: germline.
Comment: This sequence change replaces glutamic acid, which is acidic and polar, with glutamine, which is neutral and polar, at codon 234 of the SUCLA2 protein (p.Glu234Gln). This variant is present in population databases (rs373398803, gnomAD 0.02%). This variant has not been reported in the literature in individuals affected with SUCLA2-related conditions. Invitae Evidence Modeling of protein sequence and biophysical properties (such as structural, functional, and spatial information, amino acid conservation, physicochemical variation, residue mobility, and thermodynamic stability) indicates that this missense variant is not expected to disrupt SUCLA2 protein function with a negative predictive value of 80%. In summary, the available evidence is currently insufficient to determine the role of this variant in disease. Therefore, it has been classified as a Variant of Uncertain Significance.

GeneDx
Classification: Uncertain significance. Last evaluated: 2023-05-30. Review status: criteria provided, single submitter. Criteria: GeneDx Variant Classification Process June 2021. Collection method: clinical testing. Allele origin: germline. Affected: yes.
Comment: Not observed at significant frequency in large population cohorts (gnomAD); In silico analysis supports that this missense variant does not alter protein structure/function; Has not been previously published as pathogenic or benign to our knowledge

NM_003850.3(SUCLA2):c.700G>C (p.Glu234Gln)

Gene: SUCLA2 (succinate-CoA ligase ADP-forming subunit beta; minus strand). Cytogenetic location: 13q14.2.
Variant type: single nucleotide variant.
Coding change: c.700G>C on transcript NM_003850.3 (MANE Select); coding-DNA position 700, G replaced by C.
Protein change: p.Glu234Gln; replaces glutamic acid 234 with glutamine.
Molecular consequence: missense variant.
Genome position (GRCh38, 1-based): chr13:47,968,697, C>G on the plus strand (G>C on the coding strand, the complement: SUCLA2 is on the minus strand). VCF-style: chr13-47968697-C-G. GRCh37 (hg19) VCF-style: chr13-48542832-C-G.
Other names: short protein forms E234Q.
Identifiers: ClinVar variation 3362011 (VCV003362011.2).